The following is an entry in ClinVar:

NM_002029.4(FPR1):c.476C>G (p.Pro159Arg)

Gene: FPR1 (formyl peptide receptor 1; minus strand). Cytogenetic location: 19q13.41.
Variant type: single nucleotide variant.
Coding change: c.476C>G on transcript NM_002029.4 (MANE Select); coding-DNA position 476, C replaced by G.
Protein change: p.Pro159Arg; replaces proline 159 with arginine.
Molecular consequence: missense variant.
Genome position (GRCh38, 1-based): chr19:51,746,519, G>C on the plus strand (C>G on the coding strand, the complement: FPR1 is on the minus strand). VCF-style: chr19-51746519-G-C. GRCh37 (hg19) VCF-style: chr19-52249772-G-C.
Other names: c.476C>G, p.Pro159Arg (NM_001193306.2); short protein forms P159R.
Identifiers: ClinVar variation 1360567 (VCV001360567.8), dbSNP rs763819355, ClinGen allele CA9616456.

ClinVar aggregate classification (germline): Uncertain significance (1 of 4 stars; one submission).

Conditions:
Gingival disorder. Also called: Gingival disease. Identifiers: MedGen C0017563, MONDO:0002021.

Allele frequency attached by ClinVar (database versions not stated): gnomAD 0.00001; TOPMed 0.00001; gnomAD exomes 0.00002 and 0.00004; ExAC 0.00008.

Submission:

Labcorp Genetics (formerly Invitae), Labcorp
Classification: Uncertain significance for Gingival disorder. Last evaluated: 2024-12-14. Review status: criteria provided, single submitter. Criteria: Invitae Variant Classification Sherloc (09022015). Collection method: clinical testing. Allele origin: germline.
Comment: This sequence change replaces proline, which is neutral and non-polar, with arginine, which is basic and polar, at codon 159 of the FPR1 protein (p.Pro159Arg). This variant is present in population databases (rs763819355, gnomAD 0.008%). This variant has not been reported in the literature in individuals affected with FPR1-related conditions. ClinVar contains an entry for this variant (Variation ID: 1360567). An algorithm developed to predict the effect of missense changes on protein structure and function (PolyPhen-2) suggests that this variant is likely to be disruptive. In summary, the available evidence is currently insufficient to determine the role of this variant in disease. Therefore, it has been classified as a Variant of Uncertain Significance.